The following is an entry in ClinVar:

ClinVar aggregate classification (germline): Uncertain significance (1 of 4 stars; one submission).

Submission:

Labcorp Genetics (formerly Invitae), Labcorp
Classification: Uncertain significance. Last evaluated: 2021-11-30. Review status: criteria provided, single submitter. Criteria: Invitae Variant Classification Sherloc (09022015). Collection method: clinical testing. Allele origin: germline.
Comment: This sequence change replaces asparagine, which is neutral and polar, with threonine, which is neutral and polar, at codon 330 of the PEX3 protein (p.Asn330Thr). This variant is not present in population databases (gnomAD no frequency). This variant has not been reported in the literature in individuals affected with PEX3-related conditions. Algorithms developed to predict the effect of missense changes on protein structure and function are either unavailable or do not agree on the potential impact of this missense change (SIFT: "Tolerated"; PolyPhen-2: "Probably Damaging"; Align-GVGD: "Class C0"). In summary, the available evidence is currently insufficient to determine the role of this variant in disease. Therefore, it has been classified as a Variant of Uncertain Significance.

NM_003630.3(PEX3):c.989A>C (p.Asn330Thr)

Gene: PEX3 (peroxisomal biogenesis factor 3; plus strand). Cytogenetic location: 6q24.2.
Variant type: single nucleotide variant.
Coding change: c.989A>C on transcript NM_003630.3 (MANE Select); coding-DNA position 989, A replaced by C.
Protein change: p.Asn330Thr; replaces asparagine 330 with threonine.
Molecular consequence: missense variant.
Genome position (GRCh38, 1-based): chr6:143,485,199, A>C. VCF-style: chr6-143485199-A-C. GRCh37 (hg19) VCF-style: chr6-143806336-A-C.
Other names: short protein forms N330T.
Identifiers: ClinVar variation 1395796 (VCV001395796.3), dbSNP rs2128748031, ClinGen allele CA365887435.
Genomic context (GRCh38, chr6:143,485,199, plus strand): 5'-AATGATTTTTCAGTCTTTCCAGTGTCAGCCTGCCTTTAGCTAAGATAATTCCAATAGTAA[A>C]CGGACAGATCCATTCAGTTTGCAGTGAAACACCTAGTCATTTTGTTCAGGTAAGAAGAAA-3'
Protein context (NP_003621.1, residues 320-340): LPLAKIIPIV[Asn330Thr]GQIHSVCSET